The following is an entry in ClinVar:

ClinVar aggregate classification (germline): Likely benign. Review status: criteria provided, multiple submitters, no conflicts (2 of 4 stars). 3 submissions from 3 submitters: Likely benign (3). Last evaluated 2025-07-01.

Conditions:
Inborn genetic diseases. Identifiers: MedGen C0950123, MeSH D030342.

Allele frequency attached by ClinVar (database versions not stated): ESP Exome Variant Server 0.00062; 1000 Genomes Project 30x 0.00234.
gnomAD v4.1: 770 of 1,612,284 alleles (0.048%); highest among the groups gnomAD compares: African/African-American, 0.52%; 13 homozygotes.

Submissions (3):

CeGaT Center for Human Genetics Tuebingen
Classification: Likely benign. Last evaluated: 2025-07-01. Review status: criteria provided, single submitter. Criteria: CeGaT Center For Human Genetics Tuebingen Variant Classification Criteria Version 2. Collection method: clinical testing. Allele origin: germline. Affected: yes. Observed: 1 variant allele.
Comment: FLG: BP4, BS2

Blueprint Genetics
Classification: Likely benign. Last evaluated: 2024-10-24. Review status: criteria provided, single submitter. Criteria: ACMG Guidelines, 2015. Collection method: clinical testing. Allele origin: germline.

Ambry Genetics
Classification: Likely benign for Inborn genetic diseases. Last evaluated: 2021-09-17. Review status: criteria provided, single submitter. Criteria: Ambry Variant Classification Scheme 2023. Collection method: clinical testing. Allele origin: germline.

NM_002016.2(FLG):c.9620G>C (p.Arg3207Thr)

Genes: CCDST (cervical cancer associated DHX9 suppressive transcript; plus strand), FLG (filaggrin; minus strand). Cytogenetic location: 1q21.3.
Variant type: single nucleotide variant.
Coding change: c.9620G>C on transcript NM_002016.2 (MANE Select); coding-DNA position 9620, G replaced by C.
Protein change: p.Arg3207Thr; replaces arginine 3207 with threonine.
Molecular consequence: missense variant.
Genome position (GRCh38, 1-based): chr1:152,305,266, C>G on the plus strand (G>C on the coding strand, the complement: FLG is on the minus strand). VCF-style: chr1-152305266-C-G. GRCh37 (hg19) VCF-style: chr1-152277742-C-G.
Other names: short protein forms R3207T.
Identifiers: ClinVar variation 3095586 (VCV003095586.10), dbSNP rs138096455, ClinGen allele CA1103761.
Genomic context (GRCh38, chr1:152,305,266, plus strand): 5'-TCTTCTGAATGTCCCTCACTGTCACTGTCCTGGCTCACACTGGATCCCTGGCGCCTGCTT[C>G]TCCTGGACCCCTCTGATTGTCCCTGGACTGCCTGTGAGTGTCTAGAGATGTCGGCATGAG-3'
Protein context (NP_002007.1, residues 3197-3217): AVQGQSEGSR[Arg3207Thr]SRRQGSSVSQ